The following is an entry in ClinVar:

NM_013336.4(SEC61A1):c.1168-4G>A

Genes: RUVBL1 (RuvB like AAA ATPase 1; minus strand), SEC61A1 (SEC61 translocon subunit alpha 1; plus strand). Cytogenetic location: 3q21.3.
Variant type: single nucleotide variant.
Coding change: c.1168-4G>A on transcript NM_013336.4 (MANE Select); 4 bases into the intron before coding-DNA position 1168, G replaced by A.
Molecular consequence: intron variant.
Genome position (GRCh38, 1-based): chr3:128,067,979, G>A. VCF-style: chr3-128067979-G-A. GRCh37 (hg19) VCF-style: chr3-127786822-G-A.
Other names: c.1186-4G>A (NM_001400328.1); c.1009-4G>A (NM_001400329.1); c.940-2759C>T (NM_001319086.1).
Identifiers: ClinVar variation 1164875 (VCV001164875.16), dbSNP rs112255429, ClinGen allele CA2598595.

ClinVar aggregate classification (germline): Benign/Likely benign. Review status: criteria provided, multiple submitters, no conflicts (2 of 4 stars). 5 submissions from 5 submitters: Benign (1); Likely benign (3). 1 of the submissions does not count toward it. Last evaluated 2026-02-03.

Conditions:
SEC61A1-related disorder. Also called: SEC61A1-related condition.

Allele frequency attached by ClinVar (database versions not stated): ExAC 0.01692; 1000 Genomes Project 30x 0.00796; TOPMed 0.01113; ESP Exome Variant Server 0.01392; gnomAD 0.01453 and 0.01440; 1000 Genomes Project 0.00839; gnomAD exomes 0.01669.
gnomAD v4.1: 27,448 of 1,613,264 alleles (1.7%); highest among the groups gnomAD compares: Non-Finnish European, 1.8%; 302 homozygotes.

Submissions (5):

Labcorp Genetics (formerly Invitae), Labcorp
Classification: Benign. Last evaluated: 2026-02-03. Review status: criteria provided, single submitter. Criteria: Invitae Variant Classification Sherloc (09022015). Collection method: clinical testing. Allele origin: germline.

Blueprint Genetics
Classification: Likely benign. Last evaluated: 2024-11-26. Review status: criteria provided, single submitter. Criteria: ACMG Guidelines, 2015. Collection method: clinical testing. Allele origin: germline.

GeneDx
Classification: Likely benign. Last evaluated: 2021-06-16. Review status: criteria provided, single submitter. Criteria: GeneDx Variant Classification Process June 2021. Collection method: clinical testing. Allele origin: germline. Affected: yes.

Breakthrough Genomics
Classification: Likely benign. Review status: criteria provided, single submitter. Criteria: ACMG Guidelines, 2015. Collection method: not provided. Allele origin: germline. Inheritance: Autosomal dominant inheritance. Affected: yes.

PreventionGenetics, part of Exact Sciences
Classification: Benign for SEC61A1-related condition. Last evaluated: 2019-03-27. Review status: no assertion criteria provided. Collection method: clinical testing. Allele origin: germline. Not counted in ClinVar's aggregate classification.
Comment: This variant is classified as benign based on ACMG/AMP sequence variant interpretation guidelines (Richards et al. 2015 PMID: 25741868, with internal and published modifications).